The following is an entry in ClinVar:

NM_020937.4(FANCM):c.3026A>G (p.Tyr1009Cys)

Gene: FANCM (FA complementation group M; plus strand). Cytogenetic location: 14q21.2.
Variant type: single nucleotide variant.
Coding change: c.3026A>G on transcript NM_020937.4 (MANE Select); coding-DNA position 3026, A replaced by G.
Protein change: p.Tyr1009Cys; replaces tyrosine 1009 with cysteine.
Molecular consequence: missense variant.
Genome position (GRCh38, 1-based): chr14:45,175,780, A>G. VCF-style: chr14-45175780-A-G. GRCh37 (hg19) VCF-style: chr14-45644983-A-G.
Other names: c.2948A>G, p.Tyr983Cys (NM_001308133.2); short protein forms Y1009C, Y983C.
Identifiers: ClinVar variation 2413079 (VCV002413079.3), dbSNP rs2503186151, ClinGen allele CA389599704.
Genomic context (GRCh38, chr14:45,175,780, plus strand): 5'-ATGTAGAGAGATTTTTATCTTATTCTCCTCCGCCTCTCAGTGGACTCTCAGACTTGGAAT[A>G]TGAAATTGCTAAGGGTACTGCACTTGAGAATTTGCTTTTCTTACCCTGTGCAGAGCATTT-3'
Protein context (NP_065988.1, residues 999-1019): PPLSGLSDLE[Tyr1009Cys]EIAKGTALEN

ClinVar aggregate classification (germline): Uncertain significance (1 of 4 stars; one submission).

Submission:

GeneDx
Classification: Uncertain significance. Last evaluated: 2022-07-25. Review status: criteria provided, single submitter. Criteria: GeneDx Variant Classification Process June 2021. Collection method: clinical testing. Allele origin: germline. Affected: yes.
Comment: Not observed at significant frequency in large population cohorts (gnomAD); In silico analysis supports that this missense variant has a deleterious effect on protein structure/function; Has not been previously published as pathogenic or benign to our knowledge